The following is an entry in ClinVar:

NM_182961.4(SYNE1):c.14954A>T (p.Gln4985Leu)

Gene: SYNE1 (spectrin repeat containing nuclear envelope protein 1; minus strand). Cytogenetic location: 6q25.2.
Variant type: single nucleotide variant.
Coding change: c.14954A>T on transcript NM_182961.4 (MANE Select); coding-DNA position 14954, A replaced by T.
Protein change: p.Gln4985Leu; replaces glutamine 4985 with leucine.
Molecular consequence: missense variant.
Genome position (GRCh38, 1-based): chr6:152,329,731, T>A on the plus strand (A>T on the coding strand, the complement: SYNE1 is on the minus strand). VCF-style: chr6-152329731-T-A. GRCh37 (hg19) VCF-style: chr6-152650866-T-A.
Other names: c.14741A>T, p.Gln4914Leu (NM_033071.5); short protein forms Q4914L, Q4985L.
Identifiers: ClinVar variation 4085462 (VCV004085462.8).
Genomic context (GRCh38, chr6:152,329,731, plus strand): 5'-GTACCTGTTTACAAATAAGCAGAGTGGAAAAAAGAGAAGTGAAGTCCTATTATACCCACC[T>A]GTCTGGTGCGTAAGGCTTCCTGGATGTCTCCATCCAGCTCTGAGAGCTCAGCGAGGCTGT-3'
Protein context (NP_892006.3, residues 4975-4995): GDIQEALRTR[Gln4985Leu]ATLTEIYSQC

ClinVar aggregate classification (germline): Uncertain significance (1 of 4 stars; one submission).

Submission:

CeGaT Center for Human Genetics Tuebingen
Classification: Uncertain significance. Last evaluated: 2025-07-01. Review status: criteria provided, single submitter. Criteria: CeGaT Center For Human Genetics Tuebingen Variant Classification Criteria Version 2. Collection method: clinical testing. Allele origin: germline. Affected: yes. Observed: 1 variant allele.
Comment: SYNE1: PM2, BP4